The following is an entry in ClinVar:

NM_178554.6(KY):c.1374G>A (p.Ser458=)

Genes: CEP63 (centrosomal protein 63; plus strand), KY (kyphoscoliosis peptidase; minus strand), LOC123038188 (Sharpr-MPRA regulatory region 9743; plus strand). Cytogenetic location: 3q22.2.
Variant type: single nucleotide variant.
Coding change: c.1374G>A on transcript NM_178554.6 (MANE Select); coding-DNA position 1374, G replaced by A.
Protein change: p.Ser458=; no amino-acid change (serine 458 retained).
Molecular consequence: synonymous variant.
Genome position (GRCh38, 1-based): chr3:134,604,191, C>T on the plus strand (G>A on the coding strand, the complement: KY is on the minus strand). VCF-style: chr3-134604191-C-T. GRCh37 (hg19) VCF-style: chr3-134323033-C-T.
Other names: c.1326G>A, p.Ser442= (NM_001350859.2); c.1311G>A, p.Ser437= (NM_001366276.1).
Identifiers: ClinVar variation 3026338 (VCV003026338.22), dbSNP rs750312216, ClinGen allele CA2629018.

ClinVar aggregate classification (germline): Likely benign (1 of 4 stars; one submission).

Allele frequency attached by ClinVar (database versions not stated): ExAC 0.00001; gnomAD 0.00001; gnomAD exomes 0.00002; TOPMed 0.00002.
gnomAD v4.1: 23 of 1,611,482 alleles (0.0014%); highest among the groups gnomAD compares: African/African-American, 0.004%; no homozygotes.

Submission:

CeGaT Center for Human Genetics Tuebingen
Classification: Likely benign. Last evaluated: 2024-02-01. Review status: criteria provided, single submitter. Criteria: CeGaT Center For Human Genetics Tuebingen Variant Classification Criteria Version 2. Collection method: clinical testing. Allele origin: germline. Affected: yes. Observed: 1 variant allele.
Comment: KY: BP4, BP7